The following is an entry in ClinVar:

ClinVar aggregate classification (germline): Uncertain significance (1 of 4 stars; one submission).

Conditions:
Mitochondrial DNA depletion syndrome 13. Also called: FBXL4-Related Encephalomyopathic Mitochondrial DNA Depletion Syndrome; Mitochondrial DNA depletion syndrome 13 (encephalomyopathic type). Identifiers: Orphanet 369897, MedGen C3809592, MONDO:0014198, OMIM 615471.

Allele frequency attached by ClinVar (database versions not stated): ExAC 0.00001; gnomAD 0.00001; gnomAD exomes below 0.00001.
gnomAD v4.1: 3 of 1,613,464 alleles (0.00019%); highest among the groups gnomAD compares: Non-Finnish European, 0.00025%; no homozygotes.

Submission:

Wong Mito Lab, Molecular and Human Genetics, Baylor College of Medicine
Classification: Uncertain significance for Mitochondrial DNA depletion syndrome 13. Last evaluated: 2017-08-10. Review status: criteria provided, single submitter. Criteria: ACMG Guidelines, 2015. Collection method: reference population. Allele origin: germline.
Comment: The NM_012160.4:c.6A>G (NP_036292.2:p.Ser2=) [GRCH38: NC_000006.12:g.98926983T>C] variant in FBXL4 gene is interpretated to be a Uncertain Significance - Conflicting Evidence based on ACMG guidelines (PMID: 25741868). This variant meets one or more of the following evidence codes reported in the ACMG-guideline. PM2:This variant is absent in key population databases. BP4:Computational evidence/predictors indicate no impact on the FBXL4 structure, function, or protein-protein interaction. BP7:The variant is silent with non predicted splice impact. Based on this evidence code ClinGen Pathogenicity Calculator (PMID:28081714) suggested that the variant is Uncertain Significance - Conflicting Evidence.

NM_001278716.2(FBXL4):c.6A>G (p.Ser2=)

Gene: FBXL4 (F-box and leucine rich repeat protein 4; minus strand). Cytogenetic location: 6q16.2.
Variant type: single nucleotide variant.
Coding change: c.6A>G on transcript NM_001278716.2 (MANE Select); coding-DNA position 6, A replaced by G.
Protein change: p.Ser2=; no amino-acid change (serine 2 retained).
Molecular consequence: synonymous variant. On other transcripts: non-coding transcript variant (2).
Genome position (GRCh38, 1-based): chr6:98,926,983, T>C on the plus strand (A>G on the coding strand, the complement: FBXL4 is on the minus strand). VCF-style: chr6-98926983-T-C. GRCh37 (hg19) VCF-style: chr6-99374859-T-C.
Other names: c.6A>G, p.Ser2= (NM_012160.5).
Identifiers: ClinVar variation 437508 (VCV000437508.1), dbSNP rs751232704, ClinGen allele CA3933771.